The following is an entry in ClinVar:

NC_000009.11:g.(?_129455401)_(129456111_?)del

Gene: LMX1B (LIM homeobox transcription factor 1 beta; plus strand). Cytogenetic location: 9q33.3.
Variant type: Deletion.
Identifiers: ClinVar variation 3245310 (VCV003245310.1).

ClinVar aggregate classification (germline): Pathogenic (1 of 4 stars; one submission).

Submission:

Labcorp Genetics (formerly Invitae), Labcorp
Classification: Pathogenic. Last evaluated: 2023-12-27. Review status: criteria provided, single submitter. Criteria: Invitae Variant Classification Sherloc (09022015). Collection method: clinical testing. Allele origin: unknown.
Comment: This variant is a gross deletion of the genomic region encompassing exon(s) 4-6 of the LMX1B gene. This variant would be expected to be in-frame, preserving the integrity of the reading frame. This variant has not been reported in the literature in individuals affected with LMX1B-related conditions. This variant disrupts a region of the LMX1B protein in which other variant(s) (p.Arg223Gln) have been determined to be pathogenic (PMID: 9837817, 28780565, 29869118). This suggests that this is a clinically significant region of the protein, and that variants that disrupt it are likely to be disease-causing. For these reasons, this variant has been classified as Pathogenic.

Literature cited by the submitters: PubMed 9837817; PubMed 28780565; PubMed 29869118.